The following is an entry in ClinVar:

NM_006231.4(POLE):c.4445-15_4451dup

Gene: POLE (DNA polymerase epsilon, catalytic subunit; minus strand). Cytogenetic location: 12q24.33.
Variant type: Duplication.
Coding change: c.4445-15_4451dup on transcript NM_006231.4 (MANE Select); 15 bases into the intron before coding-DNA position 4445 through coding-DNA position 4451, 22 bases duplicated (TGTTTCCTTCTCCAGGGAGTAT).
Molecular consequence: splice acceptor variant.
Genome position (GRCh38, 1-based): chr12:132,643,324-132,643,345, ATACTCCCTGGAGAAGGAAACA duplicated on the plus strand (TGTTTCCTTCTCCAGGGAGTAT on the coding strand, the reverse complement: POLE is on the minus strand); duplicating any 22 consecutive bases within chr12:132,643,324-132,643,346 gives the same sequence; the c. name uses the placement nearest the transcript's 3' end. VCF-style (leftmost placement, unchanged base first): chr12-132643323-G-GATACTCCCTGGAGAAGGAAACA. GRCh37 (hg19) VCF-style: chr12-133219909-G-GATACTCCCTGGAGAAGGAAACA.
Identifiers: ClinVar variation 3632536 (VCV003632536.2).
Genomic context (GRCh38, chr12:132,643,323, plus strand): 5'-GATGAAGATCCCGAAGAGCGCTTTGTGGGCCTGTGCGTGGTGGTACAGGTAGATATGGCG[G>GATACTCCCTGGAGAAGGAAACA]ATACTCCCTGGAGAAGGAAACAAGACCGTCACCCCAGATGTGTGGGAGGCAGGCACATGA-3'

ClinVar aggregate classification (germline): Uncertain significance (1 of 4 stars; one submission).

Submission:

Labcorp Genetics (formerly Invitae), Labcorp
Classification: Uncertain significance. Last evaluated: 2024-02-25. Review status: criteria provided, single submitter. Criteria: Invitae Variant Classification Sherloc (09022015). Collection method: clinical testing. Allele origin: germline.
Comment: This sequence change falls in intron 34 of the POLE gene. It does not directly change the encoded amino acid sequence of the POLE protein. This variant is not present in population databases (gnomAD no frequency). This variant has not been reported in the literature in individuals affected with POLE-related conditions. This variant is also known as c.4445-15_4451dup (p.Arg1485Valfs*67). Experimental studies and prediction algorithms are not available or were not evaluated, and the effect of this variant on mRNA splicing is currently unknown. In summary, the available evidence is currently insufficient to determine the role of this variant in disease. Therefore, it has been classified as a Variant of Uncertain Significance.